The following is an entry in ClinVar:

NM_007194.4(CHEK2):c.616_617del (p.Val206fs)

Gene: CHEK2 (checkpoint kinase 2; minus strand). Cytogenetic location: 22q12.1.
Variant type: Deletion.
Coding change: c.616_617del on transcript NM_007194.4 (MANE Select); coding-DNA positions 616 to 617, 2 bases deleted (GT; older notation c.616_617delGT).
Protein change: p.Val206fs; shifts the reading frame from valine 206.
Molecular consequence: frameshift variant. On other transcripts: intron variant (1), 5 prime UTR variant (2).
Genome position (GRCh38, 1-based): chr22:28,719,461-28,719,462, AC deleted on the plus strand (GT on the coding strand, the reverse complement: CHEK2 is on the minus strand); deleting any 2 consecutive bases within chr22:28,719,461-28,719,463 gives the same sequence; the c. name uses the placement nearest the transcript's 3' end. VCF-style (leftmost placement, unchanged base first): chr22-28719460-TAC-T. GRCh37 (hg19) VCF-style: chr22-29115448-TAC-T.
Other names: c.616_617del (NM_007194.3); c.709_710del, p.Val237fs (NM_001438295.1, NM_001438293.1); c.616_617del, p.Val206fs (NM_145862.3); c.482+5424_482+5425del (NM_001349956.3); c.616_617delGT (NM_007194.4); c.745_746del, p.Val249fs (NM_001005735.3, NM_001438294.1); c.-48_-47del (NM_001257387.3, NM_001437942.1); short protein forms V249fs, V206fs, V237fs.
Identifiers: ClinVar variation 460846 (VCV000460846.34), dbSNP rs1346554630, ClinGen allele CA638800826.

ClinVar aggregate classification (germline): Pathogenic/Likely pathogenic. Review status: criteria provided, multiple submitters, no conflicts (2 of 4 stars). 10 submissions from 10 submitters: Pathogenic (8); Likely pathogenic (2). Last evaluated 2026-02-03.

Conditions:
Hereditary cancer-predisposing syndrome. Also called: Neoplastic Syndromes, Hereditary; Hereditary Cancer Syndrome; Hereditary neoplastic syndrome; Tumor predisposition. Identifiers: Orphanet 140162, MedGen C0027672, MeSH D009386, MONDO:0015356.
Hereditary breast ovarian cancer syndrome. Also called: Hereditary breast and ovarian cancer syndrome (HBOC); Hereditary breast and ovarian cancer syndrome; Breast and ovarian cancer; Hereditary breast and/or ovarian cancer syndrome; Hereditary breast and ovarian cancer; BRCA1- and BRCA2-Associated Hereditary Breast and Ovarian Cancer. Identifiers: Orphanet 145, MedGen C0677776, MeSH D061325, MONDO:0003582. Disease mechanism: loss of function.
Familial cancer of breast. Also called: BREAST CANCER, FAMILIAL; Hereditary breast cancer; hereditary breast carcinoma. Identifiers: Orphanet 227535, MedGen C0346153, MONDO:0016419, OMIM 114480. Disease mechanism: loss of function.

Submissions (10):

Labcorp Genetics (formerly Invitae), Labcorp
Classification: Pathogenic for Familial cancer of breast. Last evaluated: 2026-02-03. Review status: criteria provided, single submitter. Criteria: Invitae Variant Classification Sherloc (09022015). Collection method: clinical testing. Allele origin: germline.
Comment: This sequence change creates a premature translational stop signal (p.Val206Argfs*2) in the CHEK2 gene. It is expected to result in an absent or disrupted protein product. Loss-of-function variants in CHEK2 are known to be pathogenic (PMID: 21876083, 24713400). This variant is present in population databases (no rsID available, gnomAD 0.003%). This variant has not been reported in the literature in individuals affected with CHEK2-related conditions. ClinVar contains an entry for this variant (Variation ID: 460846). For these reasons, this variant has been classified as Pathogenic.

Women's Health and Genetics/Laboratory Corporation of America, LabCorp
Classification: Pathogenic for Hereditary breast ovarian cancer syndrome. Last evaluated: 2025-07-10. Review status: criteria provided, single submitter. Criteria: LabCorp Variant Classification Summary - May 2015. Collection method: clinical testing. Allele origin: germline.
Comment: Variant summary: CHEK2 c.616_617delGT (p.Val206ArgfsX2) results in a premature termination codon, predicted to cause a truncation of the encoded protein or absence of the protein due to nonsense mediated decay, which are commonly known mechanisms for disease. The variant allele was found at a frequency of 4.3e-06 in 230004 control chromosomes. c.616_617delGT has been observed in individual(s) affected with or suspected of hereditary cancer (e.g. Sutcliffe_2020) . To our knowledge, no experimental evidence demonstrating an impact on protein function has been reported. The following publication has been ascertained in the context of this evaluation (PMID: 32805687). ClinVar contains an entry for this variant (Variation ID: 460846). Based on the evidence outlined above, the variant was classified as pathogenic.

Ambry Genetics
Classification: Pathogenic for Hereditary cancer-predisposing syndrome. Last evaluated: 2025-03-17. Review status: criteria provided, single submitter. Criteria: Ambry Variant Classification Scheme 2023. Collection method: clinical testing. Allele origin: germline.
Comment: The c.616_617delGT pathogenic mutation, located in coding exon 4 of the CHEK2 gene, results from a deletion of two nucleotides at nucleotide positions 616 to 617, causing a translational frameshift with a predicted alternate stop codon (p.V206Rfs*2). This variant is considered to be rare based on population cohorts in the Genome Aggregation Database (gnomAD). This alteration is expected to result in loss of function by premature protein truncation or nonsense-mediated mRNA decay. As such, this alteration is interpreted as a disease-causing mutation.

GeneDx
Classification: Pathogenic. Last evaluated: 2025-02-19. Review status: criteria provided, single submitter. Criteria: GeneDx Variant Classification Process June 2021. Collection method: clinical testing. Allele origin: germline. Affected: yes.
Comment: Frameshift variant predicted to result in protein truncation or nonsense mediated decay in a gene for which loss of function is a known mechanism of disease; Not observed at significant frequency in large population cohorts (gnomAD); This variant is associated with the following publications: (PMID: 30927677, 29922827, 32805687)

Baylor Genetics
Classification: Likely pathogenic for Familial cancer of breast. Last evaluated: 2023-11-27. Review status: criteria provided, single submitter. Criteria: ACMG Guidelines, 2015. Collection method: clinical testing. Allele origin: unknown.

Myriad Genetics, Inc.
Classification: Pathogenic for Familial cancer of breast. Last evaluated: 2023-06-26. Review status: criteria provided, single submitter. Criteria: Myriad Autosomal Dominant, Autosomal Recessive and X-Linked Classification Criteria (2023). Collection method: clinical testing. Allele origin: unknown.
Comment: This variant is considered pathogenic. This variant creates a frameshift predicted to result in premature protein truncation.

Quest Diagnostics Nichols Institute San Juan Capistrano
Classification: Likely pathogenic. Last evaluated: 2021-09-02. Review status: criteria provided, single submitter. Criteria: Quest Diagnostics criteria. Collection method: clinical testing. Allele origin: unknown.
Comment: This frameshift variant is predicted to cause the premature termination of CHEK2 protein synthesis. To the best of our knowledge, the variant has not been reported in the published literature. Based on the available information, this variant is classified as likely pathogenic.

Color Diagnostics, LLC DBA Color Health
Classification: Pathogenic for Hereditary cancer-predisposing syndrome. Last evaluated: 2021-05-10. Review status: criteria provided, single submitter. Criteria: ACMG Guidelines, 2015. Collection method: clinical testing. Allele origin: germline.
Comment: This variant deletes 2 nucleotides in exon 5 of the CHEK2 gene, creating a frameshift and premature translation stop signal. This variant is expected to result in an absent or non-functional protein product. To our knowledge, this variant has not been reported in individuals affected with hereditary cancer in the literature. This variant has been identified in 1/224186 chromosomes in the general population by the Genome Aggregation Database (gnomAD). Loss of CHEK2 function is a known mechanism of disease. Based on the available evidence, this variant is classified as Pathogenic.

Mendelics
Classification: Pathogenic for Familial cancer of breast. Last evaluated: 2019-05-28. Review status: criteria provided, single submitter. Criteria: Mendelics Assertion Criteria 2017. Collection method: clinical testing. Allele origin: unknown.

ARUP Laboratories, Molecular Genetics and Genomics, ARUP Laboratories
Classification: Pathogenic. Last evaluated: 2018-11-13. Review status: criteria provided, single submitter. Criteria: ARUP Molecular Germline Variant Investigation Process. Collection method: clinical testing. Allele origin: germline.
Comment: The CHEK2 c.616_617delGT; p.Val206fs variant (rs1346554630), to our knowledge, is not reported in the medical literature but is reported as pathogenic in ClinVar (Variation ID: 460846). This variant is found in the general population with a low overall allele frequency of 0.0004% (1/261372 alleles) in the Genome Aggregation Database. This variant causes a frameshift by deleting 2 nucleotides, so it is predicted to result in a truncated protein or mRNA subject to nonsense-mediated decay. Based on available information, this variant is considered to be pathogenic.

Literature cited by the submitters: PubMed 21876083 (cited by Labcorp Genetics (formerly Invitae), Labcorp); PubMed 24713400 (cited by Labcorp Genetics (formerly Invitae), Labcorp); PubMed 32805687 (cited by Women's Health and Genetics/Laboratory Corporation of America, LabCorp).